The following is an entry in ClinVar:

NM_006295.3(VARS1):c.1993C>T (p.Arg665Trp)

Gene: VARS1 (valyl-tRNA synthetase 1; minus strand). Cytogenetic location: 6p21.33.
Variant type: single nucleotide variant.
Coding change: c.1993C>T on transcript NM_006295.3 (MANE Select); coding-DNA position 1993, C replaced by T.
Protein change: p.Arg665Trp; replaces arginine 665 with tryptophan.
Molecular consequence: missense variant.
Genome position (GRCh38, 1-based): chr6:31,782,442, G>A on the plus strand (C>T on the coding strand, the complement: VARS1 is on the minus strand). VCF-style: chr6-31782442-G-A. GRCh37 (hg19) VCF-style: chr6-31750219-G-A.
Other names: short protein forms R665W.
Identifiers: ClinVar variation 4845535 (VCV004845535.1).

ClinVar aggregate classification (germline): Uncertain significance (1 of 4 stars; one submission).

gnomAD v4.1: 7 of 1,611,904 alleles (0.00043%); highest among the groups gnomAD compares: Non-Finnish European, 0.00059%; no homozygotes.

Submission:

Greenwood Genetic Center Diagnostic Laboratories, Greenwood Genetic Center
Classification: Uncertain significance. Last evaluated: 2025-12-15. Review status: criteria provided, single submitter. Criteria: ACMG Guidelines, 2015. Collection method: clinical testing. Allele origin: germline. Affected: yes.
Comment: PM2, PP2, PP3